The following is an entry in ClinVar:

ClinVar aggregate classification (germline): Uncertain significance. Review status: criteria provided, multiple submitters, no conflicts (2 of 4 stars). 2 submissions from 2 submitters: Uncertain significance (2). Last evaluated 2025-12-21.

Conditions:
Spinocerebellar ataxia, autosomal recessive, with axonal neuropathy 2 (SCAN2). Also called: Ataxia-ocular apraxia-2; Ataxia with Oculomotor Apraxia; Ataxia with Oculomotor Apraxia Type 2; ATAXIA-OCULOMOTOR APRAXIA 2. Identifiers: Orphanet 64753, MedGen C1853761, MONDO:0018996, OMIM 606002.
Amyotrophic lateral sclerosis type 4 (ALS4). Also called: AMYOTROPHIC LATERAL SCLEROSIS 4, JUVENILE; NEURONOPATHY, DISTAL HEREDITARY MOTOR, WITH PYRAMIDAL FEATURES. Identifiers: Orphanet 357043, MedGen C1865409, MONDO:0011223, OMIM 602433.
Hereditary spastic paraplegia. Also called: Familial spastic paraparesis. Identifiers: Orphanet 685, MedGen C0037773, MONDO:0019064. Disease mechanism: loss of function.

Allele frequency attached by ClinVar (database versions not stated): gnomAD exomes 0.00001.
gnomAD v4.1: 8 of 1,613,988 alleles (0.0005%); highest among the groups gnomAD compares: East Asian, 0.0022%; no homozygotes.

Submissions (2):

Labcorp Genetics (formerly Invitae), Labcorp
Classification: Uncertain significance for Amyotrophic lateral sclerosis type 4; Spinocerebellar ataxia, autosomal recessive, with axonal neuropathy 2. Last evaluated: 2025-12-21. Review status: criteria provided, single submitter. Criteria: Invitae Variant Classification Sherloc (09022015). Collection method: clinical testing. Allele origin: germline.
Comment: This sequence change replaces glycine, which is neutral and non-polar, with arginine, which is basic and polar, at codon 1011 of the SETX protein (p.Gly1011Arg). This variant is not present in population databases (gnomAD no frequency). This variant has not been reported in the literature in individuals affected with SETX-related conditions. ClinVar contains an entry for this variant (Variation ID: 1344015). Invitae Evidence Modeling of protein sequence and biophysical properties (such as structural, functional, and spatial information, amino acid conservation, physicochemical variation, residue mobility, and thermodynamic stability) indicates that this missense variant is not expected to disrupt SETX protein function with a negative predictive value of 95%. In summary, the available evidence is currently insufficient to determine the role of this variant in disease. Therefore, it has been classified as a Variant of Uncertain Significance.

Genome Diagnostics Laboratory, The Hospital for Sick Children
Classification: Uncertain significance for Hereditary spastic paraplegia. Last evaluated: 2019-08-01. Review status: criteria provided, single submitter. Criteria: ACMG Guidelines, 2015. Collection method: clinical testing. Allele origin: germline. Affected: yes.

NM_015046.7(SETX):c.3031G>A (p.Gly1011Arg)

Gene: SETX (senataxin; minus strand). Cytogenetic location: 9q34.13.
Variant type: single nucleotide variant.
Coding change: c.3031G>A on transcript NM_015046.7 (MANE Select); coding-DNA position 3031, G replaced by A.
Protein change: p.Gly1011Arg; replaces glycine 1011 with arginine.
Molecular consequence: missense variant.
Genome position (GRCh38, 1-based): chr9:132,328,567, C>T on the plus strand (G>A on the coding strand, the complement: SETX is on the minus strand). VCF-style: chr9-132328567-C-T. GRCh37 (hg19) VCF-style: chr9-135203954-C-T.
Other names: c.3031G>A, p.Gly1011Arg (NM_001351527.2, NM_001351528.2); short protein forms G1011R.
Identifiers: ClinVar variation 1344015 (VCV001344015.4), dbSNP rs1564542862, ClinGen allele CA375332734.
Genomic context (GRCh38, chr9:132,328,567, plus strand): 5'-CAAGACTCAGGATTCTTTCATCATCATCATCATCAGAATCTGAAATAATAATAACCTGTC[C>T]ACGGGAGGTATCTCCAACATTATTTTGGTTAGCTGTGAAACATCTTTTATCTTCTTTTAC-3'
Protein context (NP_055861.3, residues 1001-1021): NQNNVGDTSR[Gly1011Arg]QVIIISDSDD